The following is an entry in ClinVar:

NM_001348716.2(KDM6B):c.3190C>A (p.Pro1064Thr)

Gene: KDM6B (lysine demethylase 6B; plus strand). Cytogenetic location: 17p13.1.
Variant type: single nucleotide variant.
Coding change: c.3190C>A on transcript NM_001348716.2 (MANE Select); coding-DNA position 3190, C replaced by A.
Protein change: p.Pro1064Thr; replaces proline 1064 with threonine.
Molecular consequence: missense variant.
Genome position (GRCh38, 1-based): chr17:7,849,478, C>A. VCF-style: chr17-7849478-C-A. GRCh37 (hg19) VCF-style: chr17-7752796-C-A.
Other names: c.3190C>A, p.Pro1064Thr (NM_001080424.2); short protein forms P1064T.
Identifiers: ClinVar variation 3774969 (VCV003774969.1).

ClinVar aggregate classification (germline): Uncertain significance (1 of 4 stars; one submission).

Submission:

GeneDx
Classification: Uncertain significance. Last evaluated: 2024-09-23. Review status: criteria provided, single submitter. Criteria: GeneDx Variant Classification Process June 2021. Collection method: clinical testing. Allele origin: germline. Affected: yes.
Comment: Not observed at significant frequency in large population cohorts (gnomAD); In silico analysis indicates that this missense variant does not alter protein structure/function; Has not been previously published as pathogenic or benign to our knowledge